The following is an entry in ClinVar:

NM_000135.4(FANCA):c.800T>C (p.Val267Ala)

Gene: FANCA (FA complementation group A; minus strand). Cytogenetic location: 16q24.3.
Variant type: single nucleotide variant.
Coding change: c.800T>C on transcript NM_000135.4 (MANE Select); coding-DNA position 800, T replaced by C.
Protein change: p.Val267Ala; replaces valine 267 with alanine.
Molecular consequence: missense variant.
Genome position (GRCh38, 1-based): chr16:89,799,631, A>G on the plus strand (T>C on the coding strand, the complement: FANCA is on the minus strand). VCF-style: chr16-89799631-A-G. GRCh37 (hg19) VCF-style: chr16-89866039-A-G.
Other names: c.800T>C, p.Val267Ala (NM_001018112.3, NM_001286167.3); c.704T>C, p.Val235Ala (NM_001351830.2); short protein forms V267A, V235A.
Identifiers: ClinVar variation 3572408 (VCV003572408.1).

ClinVar aggregate classification (germline): Uncertain significance (1 of 4 stars; one submission).

gnomAD v4.1: 26 of 1,613,378 alleles (0.0016%); highest among the groups gnomAD compares: Non-Finnish European, 0.0021%; no homozygotes.

Submission:

Quest Diagnostics Nichols Institute San Juan Capistrano
Classification: Uncertain significance. Last evaluated: 2023-12-29. Review status: criteria provided, single submitter. Criteria: Quest Diagnostics criteria. Collection method: clinical testing. Allele origin: unknown.
Comment: The FANCA c.800T>C (p.Val267Ala) variant has not been reported in individuals with FANCA-related conditions in the published literature. It also has not been reported in large, multi-ethnic general populations (Genome Aggregation Database). Analysis of this variant using bioinformatics tools for the prediction of the effect of amino acid changes on protein structure and function yielded predictions that this variant is benign. Based on the available information, we are unable to determine the clinical significance of this variant.